The following is an entry in ClinVar:

NM_015295.3(SMCHD1):c.3841A>G (p.Ile1281Val)

Gene: SMCHD1 (structural maintenance of chromosomes flexible hinge domain containing 1; plus strand). Cytogenetic location: 18p11.32.
Variant type: single nucleotide variant.
Coding change: c.3841A>G on transcript NM_015295.3 (MANE Select); coding-DNA position 3841, A replaced by G.
Protein change: p.Ile1281Val; replaces isoleucine 1281 with valine.
Molecular consequence: missense variant.
Genome position (GRCh38, 1-based): chr18:2,747,561, A>G. VCF-style: chr18-2747561-A-G. GRCh37 (hg19) VCF-style: chr18-2747559-A-G.
Other names: short protein forms I1281V.
Identifiers: ClinVar variation 282658 (VCV000282658.18), dbSNP rs201059575, ClinGen allele CA8871322.

ClinVar aggregate classification (germline): Conflicting classifications of pathogenicity. Review status: criteria provided, conflicting classifications (1 of 4 stars). 6 submissions from 6 submitters: Uncertain significance (3); Likely benign (2). 1 of the submissions does not count toward it. Last evaluated 2025-10-23.

Conditions:
SMCHD1-related disorder. Also called: SMCHD1-related condition.
Inborn genetic diseases. Identifiers: MedGen C0950123, MeSH D030342.
Facioscapulohumeral muscular dystrophy 2 (FSHD2). Also called: FACIOSCAPULOHUMERAL MUSCULAR DYSTROPHY 2, DIGENIC; FSHD2, DIGENIC; MUSCULAR DYSTROPHY, FACIOSCAPULOHUMERAL, TYPE 1B. Identifiers: Orphanet 269, MedGen C1834671, MONDO:0008031, OMIM 158901.

Allele frequency attached by ClinVar (database versions not stated): 1000 Genomes Project 30x 0.00016; 1000 Genomes Project 0.00020; gnomAD 0.00024 and 0.00026; TOPMed 0.00025; ExAC 0.00027; gnomAD exomes 0.00028; ESP Exome Variant Server 0.00034.
gnomAD v4.1: 433 of 1,608,970 alleles (0.027%); highest among the groups gnomAD compares: Middle Eastern, 0.05%; no homozygotes.

Submissions (6):

Labcorp Genetics (formerly Invitae), Labcorp
Classification: Uncertain significance for Facioscapulohumeral muscular dystrophy 2. Last evaluated: 2025-10-23. Review status: criteria provided, single submitter. Criteria: Invitae Variant Classification Sherloc (09022015). Collection method: clinical testing. Allele origin: germline.
Comment: This sequence change replaces isoleucine, which is neutral and non-polar, with valine, which is neutral and non-polar, at codon 1281 of the SMCHD1 protein (p.Ile1281Val). This variant is present in population databases (rs201059575, gnomAD 0.05%), and has an allele count higher than expected for a pathogenic variant. This variant has not been reported in the literature in individuals affected with SMCHD1-related conditions. ClinVar contains an entry for this variant (Variation ID: 282658). Invitae Evidence Modeling of protein sequence and biophysical properties (such as structural, functional, and spatial information, amino acid conservation, physicochemical variation, residue mobility, and thermodynamic stability) indicates that this missense variant is not expected to disrupt SMCHD1 protein function with a negative predictive value of 80%. In summary, the available evidence is currently insufficient to determine the role of this variant in disease. Therefore, it has been classified as a Variant of Uncertain Significance.

Ambry Genetics
Classification: Uncertain significance for Inborn genetic diseases. Last evaluated: 2025-07-15. Review status: criteria provided, single submitter. Criteria: Ambry Variant Classification Scheme 2023. Collection method: clinical testing. Allele origin: germline.

Blueprint Genetics
Classification: Likely benign. Last evaluated: 2024-11-25. Review status: criteria provided, single submitter. Criteria: ACMG Guidelines, 2015. Collection method: clinical testing. Allele origin: germline.

PreventionGenetics, part of Exact Sciences
Classification: Likely benign for SMCHD1-related condition. Last evaluated: 2024-10-29. Review status: criteria provided, single submitter. Criteria: ACMG Guidelines, 2015. Collection method: clinical testing. Allele origin: germline.
Comment: This variant is classified as likely benign based on ACMG/AMP sequence variant interpretation guidelines (Richards et al. 2015 PMID: 25741868, with internal and published modifications).

Eurofins Ntd Llc (ga)
Classification: Uncertain significance. Last evaluated: 2017-11-17. Review status: criteria provided, single submitter. Criteria: EGL Classification Definitions 2015. Collection method: clinical testing. Allele origin: germline. Observed: 5 variant alleles, 5 heterozygotes.

Department of Pathology and Laboratory Medicine, Sinai Health System
Classification: Uncertain significance. Review status: no assertion criteria provided. Collection method: clinical testing. Allele origin: unknown. Affected: yes. Study: The Canadian Open Genetics Repository (COGR). Not counted in ClinVar's aggregate classification.
Comment: The SMCHD1 p.I1281V variant was not identified in the literature but was identified in dbSNP (ID: rs201059575) and ClinVar (classified as uncertain significance by EGL Genetic Diagnostics and Invitae). The variant was identified in control databases in 76 of 279258 chromosomes at a frequency of 0.0002721 (Genome Aggregation Database March 6, 2019, v2.1.1). The p.I1281 residue is not conserved in mammals and computational analyses (MUT Assesor, PolyPhen-2, SIFT, MutationTaster, Revel, FATHMM, MetaLR, DANN) do not suggest a high likelihood of impact to the protein; however this information is not predictive enough to rule out pathogenicity. The variant occurs outside of the splicing consensus sequence and in silico or computational prediction software programs (Splice AI exome) do not predict a difference in splicing. In summary, based on the above information the clinical significance of this variant cannot be determined with certainty at this time. This variant is classified as a variant of uncertain significance.